The following is an entry in ClinVar:

NM_002547.3(OPHN1):c.407A>G (p.Lys136Arg)

Gene: OPHN1 (oligophrenin 1; minus strand). Cytogenetic location: Xq12.
Variant type: single nucleotide variant.
Coding change: c.407A>G on transcript NM_002547.3 (MANE Select); coding-DNA position 407, A replaced by G.
Protein change: p.Lys136Arg; replaces lysine 136 with arginine.
Molecular consequence: missense variant.
Genome position (GRCh38, 1-based): chrX:68,234,566, T>C on the plus strand (A>G on the coding strand, the complement: OPHN1 is on the minus strand). VCF-style: chrX-68234566-T-C. GRCh37 (hg19) VCF-style: chrX-67454408-T-C.
Other names: c.407A>G, p.Lys136Arg (NM_001437258.1); short protein forms K136R.
Identifiers: ClinVar variation 4282140 (VCV004282140.1).

ClinVar aggregate classification (germline): Uncertain significance (1 of 4 stars; one submission).

Submission:

GeneDx
Classification: Uncertain significance. Last evaluated: 2025-04-11. Review status: criteria provided, single submitter. Criteria: GeneDx Variant Classification Process June 2021. Collection method: clinical testing. Allele origin: germline. Affected: yes.
Comment: Not observed at significant frequency in large population cohorts (gnomAD); In silico analysis indicates that this missense variant does not alter protein structure/function; Has not been previously published as pathogenic or benign to our knowledge